The following is an entry in ClinVar:

NM_000358.3(TGFBI):c.769C>T (p.Arg257Trp)

Gene: TGFBI (transforming growth factor beta induced; plus strand). Cytogenetic location: 5q31.1.
Variant type: single nucleotide variant.
Coding change: c.769C>T on transcript NM_000358.3 (MANE Select); coding-DNA position 769, C replaced by T.
Protein change: p.Arg257Trp; replaces arginine 257 with tryptophan.
Molecular consequence: missense variant.
Genome position (GRCh38, 1-based): chr5:136,047,418, C>T. VCF-style: chr5-136047418-C-T. GRCh37 (hg19) VCF-style: chr5-135383107-C-T.
Other names: short protein forms R257W.
Identifiers: ClinVar variation 4708444 (VCV004708444.1).

ClinVar aggregate classification (germline): Uncertain significance (1 of 4 stars; one submission).

Submission:

Labcorp Genetics (formerly Invitae), Labcorp
Classification: Uncertain significance. Last evaluated: 2025-02-19. Review status: criteria provided, single submitter. Criteria: Invitae Variant Classification Sherloc (09022015). Collection method: clinical testing. Allele origin: germline.
Comment: This sequence change replaces arginine, which is basic and polar, with tryptophan, which is neutral and slightly polar, at codon 257 of the TGFBI protein (p.Arg257Trp). This variant is present in population databases (rs771481298, gnomAD 0.01%). This missense change has been observed in individual(s) with clinical features of TGFBI-related disorders (PMID: 26464103, 36276932). An algorithm developed to predict the effect of missense changes on protein structure and function (PolyPhen-2) suggests that this variant is likely to be disruptive. In summary, the available evidence is currently insufficient to determine the role of this variant in disease. Therefore, it has been classified as a Variant of Uncertain Significance.

Literature cited by the submitters: PubMed 26464103; PubMed 36276932.